The following is an entry in ClinVar:

ClinVar aggregate classification (germline): Uncertain significance (1 of 4 stars; one submission).

Submission:

Laboratory for Molecular Medicine, Mass General Brigham Personalized Medicine
Classification: Uncertain significance. Last evaluated: 2014-03-07. Review status: criteria provided, single submitter. Criteria: LMM Criteria. Collection method: clinical testing. Allele origin: germline. Observed: 5 variant alleles.
Comment: proposed classification - variant undergoing re-assessment, contact laboratory

NM_000257.4(MYH7):c.1490A>G (p.Glu497Gly)

Gene: MYH7 (myosin heavy chain 7; minus strand). Cytogenetic location: 14q11.2.
Variant type: single nucleotide variant.
Coding change: c.1490A>G on transcript NM_000257.4 (MANE Select); coding-DNA position 1490, A replaced by G.
Protein change: p.Glu497Gly; replaces glutamic acid 497 with glycine.
Molecular consequence: missense variant.
Genome position (GRCh38, 1-based): chr14:23,428,588, T>C on the plus strand (A>G on the coding strand, the complement: MYH7 is on the minus strand). VCF-style: chr14-23428588-T-C. GRCh37 (hg19) VCF-style: chr14-23897797-T-C.
Other names: short protein forms E497G.
Identifiers: ClinVar variation 177711 (VCV000177711.4), dbSNP rs727504296, ClinGen allele CA010834.